The following is an entry in ClinVar:

ClinVar aggregate classification (germline): Uncertain significance. Review status: criteria provided, single submitter (1 of 4 stars). 2 submissions from 2 submitters: Uncertain significance (1). 1 of the submissions does not count toward it. Last evaluated 2021-08-09.

Conditions:
Marinesco-Sjögren syndrome (MSS). Also called: Marinesco-SjÃ¶gren syndrome; Marinesco-Sjogren Syndrome. Identifiers: Orphanet 559, MedGen C0024814, MONDO:0009567, OMIM 248800.

Allele frequency attached by ClinVar (database versions not stated): TOPMed below 0.00001; ExAC 0.00001; gnomAD 0.00001; gnomAD exomes 0.00001; 1000 Genomes Project 30x 0.00016; 1000 Genomes Project 0.00020.
gnomAD v4.1: 3 of 1,614,120 alleles (0.00019%); highest among the groups gnomAD compares: East Asian, 0.0067%; no homozygotes.

Submissions (2):

Labcorp Genetics (formerly Invitae), Labcorp
Classification: Uncertain significance for Marinesco-Sjögren syndrome. Last evaluated: 2021-08-09. Review status: criteria provided, single submitter. Criteria: Invitae Variant Classification Sherloc (09022015). Collection method: clinical testing. Allele origin: germline.
Comment: Algorithms developed to predict the effect of missense changes on protein structure and function (SIFT, PolyPhen-2, Align-GVGD) all suggest that this variant is likely to be tolerated. In summary, the available evidence is currently insufficient to determine the role of this variant in disease. Therefore, it has been classified as a Variant of Uncertain Significance. ClinVar contains an entry for this variant (Variation ID: 1050089). This variant has not been reported in the literature in individuals affected with SIL1-related conditions. This variant is present in population databases (rs538181924, ExAC 0.01%). This sequence change replaces methionine with isoleucine at codon 216 of the SIL1 protein (p.Met216Ile). The methionine residue is moderately conserved and there is a small physicochemical difference between methionine and isoleucine.

Department of Pathology and Laboratory Medicine, Sinai Health System
Classification: Uncertain significance. Review status: no assertion criteria provided. Collection method: clinical testing. Allele origin: unknown. Affected: yes. Study: The Canadian Open Genetics Repository (COGR). Not counted in ClinVar's aggregate classification.
Comment: The SIL1 p.Met216Ile variant was not identified in the literature nor was it identified in ClinVar, Cosmic or LOVD 3.0. The variant was identified in dbSNP (ID: rs538181924) and in control databases in 2 of 251102 chromosomes at a frequency of 0.000008 (Genome Aggregation Database Feb 27, 2017). The variant was observed in the East Asian population in 2 of 18382 chromosomes (freq: 0.000109), but not in the African, Latino, Ashkenazi Jewish, European (Finnish), European (non-Finnish), Other, and South Asian populations. The p.Met216 residue is conserved in mammals but not in more distantly related organisms however four out of five computational analyses (PolyPhen-2, SIFT, AlignGVGD, BLOSUM, MutationTaster) do not suggest a high likelihood of impact to the protein; this information is not predictive enough to rule out pathogenicity. In silico or computational prediction software programs (SpliceSiteFinder, MaxEntScan, NNSPLICE, GeneSplicer) do not predict a difference in splicing at the variant location. In summary, based on the above information the clinical significance of this variant cannot be determined with certainty at this time. This variant is classified as a variant of uncertain significance.

NM_022464.5(SIL1):c.648G>C (p.Met216Ile)

Gene: SIL1 (SIL1 nucleotide exchange factor; minus strand). Cytogenetic location: 5q31.2.
Variant type: single nucleotide variant.
Coding change: c.648G>C on transcript NM_022464.5 (MANE Select); coding-DNA position 648, G replaced by C.
Protein change: p.Met216Ile; replaces methionine 216 with isoleucine.
Molecular consequence: missense variant.
Genome position (GRCh38, 1-based): chr5:139,021,290, C>G on the plus strand (G>C on the coding strand, the complement: SIL1 is on the minus strand). VCF-style: chr5-139021290-C-G. GRCh37 (hg19) VCF-style: chr5-138356979-C-G.
Other names: c.648G>C, p.Met216Ile (NM_001037633.2); short protein forms M216I.
Identifiers: ClinVar variation 1050089 (VCV001050089.7), dbSNP rs538181924, ClinGen allele CA3432518.